The following is an entry in ClinVar:

NM_014297.5(ETHE1):c.406A>T (p.Thr136Ser)

Gene: ETHE1 (ETHE1 persulfide dioxygenase; minus strand). Cytogenetic location: 19q13.31.
Variant type: single nucleotide variant.
Coding change: c.406A>T on transcript NM_014297.5 (MANE Select); coding-DNA position 406, A replaced by T.
Protein change: p.Thr136Ser; replaces threonine 136 with serine.
Molecular consequence: missense variant.
Genome position (GRCh38, 1-based): chr19:43,511,536, T>A on the plus strand (A>T on the coding strand, the complement: ETHE1 is on the minus strand). VCF-style: chr19-43511536-T-A. GRCh37 (hg19) VCF-style: chr19-44015688-T-A.
Other names: c.373A>T, p.Thr125Ser (NM_001320867.2); c.37A>T, p.Thr13Ser (NM_001320868.2); c.112A>T, p.Thr38Ser (NM_001320869.2); short protein forms T38S, T125S, T136S, T13S.
Identifiers: ClinVar variation 2113596 (VCV002113596.4), dbSNP rs1284200516, ClinGen allele CA406175648.

ClinVar aggregate classification (germline): Likely pathogenic (1 of 4 stars; one submission).

Conditions:
Ethylmalonic encephalopathy (EE). Also called: EPEMA syndrome; Encephalopathy, petechiae, and ethylmalonic aciduria; Syndrome of encephalopathy, petechiae, and ethylmalonic aciduria. Identifiers: Orphanet 51188, MedGen C1865349, MONDO:0011229, OMIM 602473. Disease mechanism: loss of function.

gnomAD v4.1: 1 of 1,613,988 alleles (0.000062%); highest among the groups gnomAD compares: Non-Finnish European, 0.000085%; no homozygotes.

Submission:

Labcorp Genetics (formerly Invitae), Labcorp
Classification: Likely pathogenic for Ethylmalonic encephalopathy. Last evaluated: 2022-03-18. Review status: criteria provided, single submitter. Criteria: Invitae Variant Classification Sherloc (09022015). Collection method: clinical testing. Allele origin: germline.
Comment: In summary, the currently available evidence indicates that the variant is pathogenic, but additional data are needed to prove that conclusively. Therefore, this variant has been classified as Likely Pathogenic. This variant disrupts the p.Thr136 amino acid residue in ETHE1. Other variant(s) that disrupt this residue have been determined to be pathogenic (PMID: 14732903, 16183799, 18593870). This suggests that this residue is clinically significant, and that variants that disrupt this residue are likely to be disease-causing. This sequence change replaces threonine, which is neutral and polar, with serine, which is neutral and polar, at codon 136 of the ETHE1 protein (p.Thr136Ser). This variant is not present in population databases (gnomAD no frequency). This variant has not been reported in the literature in individuals affected with ETHE1-related conditions. Advanced modeling of protein sequence and biophysical properties (such as structural, functional, and spatial information, amino acid conservation, physicochemical variation, residue mobility, and thermodynamic stability) performed at Invitae indicates that this missense variant is expected to disrupt ETHE1 protein function.

Literature cited by the submitters: PubMed 14732903; PubMed 16183799; PubMed 18593870.